The following is an entry in ClinVar:

ClinVar aggregate classification (germline): Benign (1 of 4 stars; one submission).

Conditions:
Juvenile polyposis/hereditary hemorrhagic telangiectasia syndrome (JPHT). Also called: JP/HHT SYNDROME; JUVENILE POLYPOSIS WITH HEREDITARY HEMORRHAGIC TELANGIECTASIA; POLYPOSIS, GENERALIZED JUVENILE, WITH PULMONARY ARTERIOVENOUS MALFORMATION; TELANGIECTASIA, HEREDITARY HEMORRHAGIC, WITH JUVENILE POLYPOSIS COLI; Juvenile Polyposis Syndrome / Hereditary Hemorrhagic Telangiectasia (JPS/HHT). Identifiers: Orphanet 2929, MedGen C1832942, MONDO:0008278, OMIM 175050.

Submission:

Myriad Genetics, Inc.
Classification: Benign for Juvenile polyposis/hereditary hemorrhagic telangiectasia syndrome. Last evaluated: 2025-03-21. Review status: criteria provided, single submitter. Criteria: Myriad Autosomal Dominant, Autosomal Recessive and X-Linked Classification Criteria (2023). Collection method: clinical testing. Allele origin: unknown.
Comment: This variant is considered benign. This variant is a silent/synonymous amino acid change and it is not expected to impact splicing.

NM_005359.6(SMAD4):c.1338G>A (p.Gln446=)

Gene: SMAD4 (SMAD family member 4; plus strand). Cytogenetic location: 18q21.2.
Variant type: single nucleotide variant.
Coding change: c.1338G>A on transcript NM_005359.6 (MANE Select); coding-DNA position 1338, G replaced by A.
Protein change: p.Gln446=; no amino-acid change (glutamine 446 retained).
Molecular consequence: synonymous variant. On other transcripts: non-coding transcript variant (1).
Genome position (GRCh38, 1-based): chr18:51,076,667, G>A. VCF-style: chr18-51076667-G-A. GRCh37 (hg19) VCF-style: chr18-48603037-G-A.
Other names: c.1338G>A, p.Gln446= (NM_001407041.1, NM_001407042.1).
Identifiers: ClinVar variation 3904040 (VCV003904040.1).